The following is an entry in ClinVar:

ClinVar aggregate classification (germline): Uncertain significance. Review status: criteria provided, multiple submitters, no conflicts (2 of 4 stars). 2 submissions from 2 submitters: Uncertain significance (2). Last evaluated 2025-01-08.

Conditions:
Inborn genetic diseases. Identifiers: MedGen C0950123, MeSH D030342.

gnomAD v4.1: 4 of 1,613,806 alleles (0.00025%); highest among the groups gnomAD compares: Non-Finnish European, 0.00034%; no homozygotes.

Submissions (2):

Ambry Genetics
Classification: Uncertain significance for Inborn genetic diseases. Last evaluated: 2025-01-08. Review status: criteria provided, single submitter. Criteria: Ambry Variant Classification Scheme 2023. Collection method: clinical testing. Allele origin: germline.
Comment: The p.T53I variant (also known as c.158C>T), located in coding exon 2 of the SBDS gene, results from a C to T substitution at nucleotide position 158. The threonine at codon 53 is replaced by isoleucine, an amino acid with similar properties. This amino acid position is conserved. In addition, this alteration is predicted to be deleterious by in silico analysis. Based on the available evidence, the clinical significance of this variant remains unclear.

GeneDx
Classification: Uncertain significance. Last evaluated: 2024-10-07. Review status: criteria provided, single submitter. Criteria: GeneDx Variant Classification Process June 2021. Collection method: clinical testing. Allele origin: germline. Affected: yes.
Comment: Not observed at significant frequency in large population cohorts (gnomAD); In silico analysis supports that this missense variant has a deleterious effect on protein structure/function; Has not been previously published as pathogenic or benign to our knowledge

NM_016038.4(SBDS):c.158C>T (p.Thr53Ile)

Gene: SBDS (SBDS ribosome maturation factor; minus strand). Cytogenetic location: 7q11.21.
Variant type: single nucleotide variant.
Coding change: c.158C>T on transcript NM_016038.4 (MANE Select); coding-DNA position 158, C replaced by T.
Protein change: p.Thr53Ile; replaces threonine 53 with isoleucine.
Molecular consequence: missense variant.
Genome position (GRCh38, 1-based): chr7:66,994,312, G>A on the plus strand (C>T on the coding strand, the complement: SBDS is on the minus strand). VCF-style: chr7-66994312-G-A. GRCh37 (hg19) VCF-style: chr7-66459299-G-A.
Other names: short protein forms T53I.
Identifiers: ClinVar variation 3776521 (VCV003776521.2).